The following is an entry in ClinVar:

NM_004655.4(AXIN2):c.2467_2470del (p.Glu823fs)

Gene: AXIN2 (axin 2; minus strand). Cytogenetic location: 17q24.1.
Variant type: Deletion.
Coding change: c.2467_2470del on transcript NM_004655.4 (MANE Select); coding-DNA positions 2467 to 2470, 4 bases deleted (GAGG; older notation c.2467_2470delGAGG).
Protein change: p.Glu823fs; shifts the reading frame from glutamic acid 823.
Molecular consequence: frameshift variant.
Genome position (GRCh38, 1-based): chr17:65,530,038-65,530,041, CCTC deleted on the plus strand (GAGG on the coding strand, the reverse complement: AXIN2 is on the minus strand); deleting any 4 consecutive bases within chr17:65,530,038-65,530,043 gives the same sequence; the c. name uses the placement nearest the transcript's 3' end. VCF-style (leftmost placement, unchanged base first): chr17-65530037-TCCTC-T. GRCh37 (hg19) VCF-style: chr17-63526155-TCCTC-T.
Other names: c.2272_2275del, p.Glu758fs (NM_001363813.1); short protein forms E823fs, E758fs.
Identifiers: ClinVar variation 1487964 (VCV001487964.6), dbSNP rs2144391312, ClinGen allele CA2573154685.

ClinVar aggregate classification (germline): Uncertain significance (1 of 4 stars; one submission).

Conditions:
Oligodontia-cancer predisposition syndrome. Also called: TOOTH AGENESIS-COLORECTAL CANCER SYNDROME. Identifiers: Orphanet 300576, MedGen C1837750, MONDO:0012075, OMIM 608615. Disease mechanism: loss of function.

Submission:

Labcorp Genetics (formerly Invitae), Labcorp
Classification: Uncertain significance for Oligodontia-cancer predisposition syndrome. Last evaluated: 2021-10-18. Review status: criteria provided, single submitter. Criteria: Invitae Variant Classification Sherloc (09022015). Collection method: clinical testing. Allele origin: germline.
Comment: This sequence change creates a premature translational stop signal (p.Glu823Metfs*37) in the AXIN2 gene. While this is not anticipated to result in nonsense mediated decay, it is expected to disrupt the last 21 amino acid(s) of the AXIN2 protein. This variant is not present in population databases (ExAC no frequency). This variant has not been reported in the literature in individuals affected with AXIN2-related conditions. In summary, the available evidence is currently insufficient to determine the role of this variant in disease. Therefore, it has been classified as a Variant of Uncertain Significance.